The following is an entry in ClinVar:

ClinVar aggregate classification (germline): Uncertain significance (1 of 4 stars; one submission).

gnomAD v4.1: 3 of 1,606,510 alleles (0.00019%); highest among the groups gnomAD compares: Non-Finnish European, 0.00026%; no homozygotes.

Submission:

GeneDx
Classification: Uncertain significance. Last evaluated: 2025-06-03. Review status: criteria provided, single submitter. Criteria: GeneDx Variant Classification Process June 2021. Collection method: clinical testing. Allele origin: germline. Affected: yes.
Comment: Not observed at significant frequency in large population cohorts (gnomAD); In silico analysis supports that this missense variant has a deleterious effect on protein structure/function; Has not been previously published as pathogenic or benign to our knowledge

NM_001242896.3(DEPDC5):c.3566C>T (p.Thr1189Ile)

Gene: DEPDC5 (DEP domain containing 5, GATOR1 subcomplex subunit; plus strand). Cytogenetic location: 22q12.3.
Variant type: single nucleotide variant.
Coding change: c.3566C>T on transcript NM_001242896.3 (MANE Select); coding-DNA position 3566, C replaced by T.
Protein change: p.Thr1189Ile; replaces threonine 1189 with isoleucine.
Molecular consequence: missense variant. On other transcripts: non-coding transcript variant (4).
Genome position (GRCh38, 1-based): chr22:31,874,275, C>T. VCF-style: chr22-31874275-C-T. GRCh37 (hg19) VCF-style: chr22-32270261-C-T.
Other names: c.3539C>T, p.Thr1180Ile (NM_001136029.4); c.3266C>T, p.Thr1089Ile (NM_001242897.2); c.3500C>T, p.Thr1167Ile (NM_001363852.2, NM_001364320.2); c.3332C>T, p.Thr1111Ile (NM_001363854.2, NM_001364319.2); c.3566C>T, p.Thr1189Ile (NM_001364318.2); c.3482C>T, p.Thr1161Ile (NM_001369901.1, NM_001369902.1); c.3473C>T, p.Thr1158Ile (NM_001369903.1, NM_014662.6); short protein forms T1089I, T1111I, T1158I, T1161I, T1167I, T1180I, T1189I.
Identifiers: ClinVar variation 4536577 (VCV004536577.1).